The following is an entry in ClinVar:

NM_001130823.3(DNMT1):c.2587-18G>A

Gene: DNMT1 (DNA methyltransferase 1; minus strand). Cytogenetic location: 19p13.2.
Variant type: single nucleotide variant.
Coding change: c.2587-18G>A on transcript NM_001130823.3 (MANE Select); 18 bases into the intron before coding-DNA position 2587, G replaced by A.
Molecular consequence: intron variant.
Genome position (GRCh38, 1-based): chr19:10,149,035, C>T on the plus strand (G>A on the coding strand, the complement: DNMT1 is on the minus strand). VCF-style: chr19-10149035-C-T. GRCh37 (hg19) VCF-style: chr19-10259711-C-T.
Other names: c.2224-18G>A (NM_001318731.2); c.2539-18G>A (NM_001379.4, NM_001318730.2); c.2587-18G>A (LRG_362t1).
Identifiers: ClinVar variation 384290 (VCV000384290.5), dbSNP rs761123463, ClinGen allele CA9188004.

ClinVar aggregate classification (germline): Likely benign. Review status: criteria provided, multiple submitters, no conflicts (2 of 4 stars). 2 submissions from 2 submitters: Likely benign (2). Last evaluated 2024-09-30.

Conditions:
Hereditary sensory neuropathy-deafness-dementia syndrome. Also called: Hereditary sensory neuropathy type IE; NEUROPATHY, HEREDITARY SENSORY, WITH HEARING LOSS AND DEMENTIA; Hereditary Sensory and Autonomic Neuropathy Type 1E (HSAN1E); HSN IE. Identifiers: Orphanet 456318, MedGen C3279885, MONDO:0013584, OMIM 614116.

Allele frequency attached by ClinVar (database versions not stated): gnomAD below 0.00001 and 0.00001.
gnomAD v4.1: 3 of 1,613,334 alleles (0.00019%); highest among the groups gnomAD compares: South Asian, 0.0011%; no homozygotes.

Submissions (2):

Labcorp Genetics (formerly Invitae), Labcorp
Classification: Likely benign for Hereditary sensory neuropathy-deafness-dementia syndrome. Last evaluated: 2024-09-30. Review status: criteria provided, single submitter. Criteria: Invitae Variant Classification Sherloc (09022015). Collection method: clinical testing. Allele origin: germline.

GeneDx
Classification: Likely benign. Last evaluated: 2016-03-11. Review status: criteria provided, single submitter. Criteria: GeneDx Variant Classification (06012015). Collection method: clinical testing. Allele origin: germline. Affected: yes.
Comment: This variant is considered likely benign or benign based on one or more of the following criteria: it is a conservative change, it occurs at a poorly conserved position in the protein, it is predicted to be benign by multiple in silico algorithms, and/or has population frequency not consistent with disease.